The following is an entry in ClinVar:

ClinVar aggregate classification (germline): Conflicting classifications of pathogenicity. Review status: criteria provided, conflicting classifications (1 of 4 stars). 3 submissions from 3 submitters: Uncertain significance (2); Benign (1). Last evaluated 2026-04-01.

Conditions:
DYRK1A-related intellectual disability syndrome (MRD7). Also called: DYRK1A Syndrome; Intellectual developmental disorder, autosomal dominant 7. Identifiers: Orphanet 464306, MedGen C5568143, MONDO:0013578, OMIM 614104.
Inborn genetic diseases. Identifiers: MedGen C0950123, MeSH D030342.

Allele frequency attached by ClinVar (database versions not stated): ExAC 0.00002; gnomAD 0.00002; gnomAD exomes 0.00002; TOPMed 0.00003.
gnomAD v4.1: 13 of 1,613,848 alleles (0.00081%); highest among the groups gnomAD compares: Admixed American, 0.01%; no homozygotes.

Submissions (3):

CeGaT Center for Human Genetics Tuebingen
Classification: Uncertain significance. Last evaluated: 2026-04-01. Review status: criteria provided, single submitter. Criteria: CeGaT Center For Human Genetics Tuebingen Variant Classification Criteria Version 2. Collection method: clinical testing. Allele origin: germline. Affected: yes. Observed: 1 variant allele.

Labcorp Genetics (formerly Invitae), Labcorp
Classification: Benign for DYRK1A-related intellectual disability syndrome. Last evaluated: 2024-09-03. Review status: criteria provided, single submitter. Criteria: Invitae Variant Classification Sherloc (09022015). Collection method: clinical testing. Allele origin: germline.

Ambry Genetics
Classification: Uncertain significance for Inborn genetic diseases. Last evaluated: 2017-05-26. Review status: criteria provided, single submitter. Criteria: Ambry Variant Classification Scheme 2023. Collection method: clinical testing. Allele origin: germline.
Comment: The p.P531S variant (also known as c.1591C>T), located in coding exon 10 of the DYRK1A gene, results from a C to T substitution at nucleotide position 1591. The proline at codon 531 is replaced by serine, an amino acid with some similar properties. This amino acid position is highly conserved in available vertebrate species. In addition, this alteration is predicted to be tolerated by in silico analysis. Since supporting evidence is limited at this time, the clinical significance of this alteration remains unclear.

NM_001347721.2(DYRK1A):c.1564C>T (p.Pro522Ser)

Gene: DYRK1A (dual specificity tyrosine phosphorylation regulated kinase 1A; plus strand). Cytogenetic location: 21q22.13.
Variant type: single nucleotide variant.
Coding change: c.1564C>T on transcript NM_001347721.2 (MANE Select); coding-DNA position 1564, C replaced by T.
Protein change: p.Pro522Ser; replaces proline 522 with serine.
Molecular consequence: missense variant. On other transcripts: intron variant (1).
Genome position (GRCh38, 1-based): chr21:37,506,143, C>T. VCF-style: chr21-37506143-C-T. GRCh37 (hg19) VCF-style: chr21-38878446-C-T.
Other names: c.1564C>T, p.Pro522Ser (NM_001347722.2, NM_130436.2); c.1477C>T, p.Pro493Ser (NM_001347723.2); c.1591C>T, p.Pro531Ser (NM_001396.5, NM_101395.2); c.1546+554C>T (NM_130438.2); short protein forms P531S, P493S, P522S.
Identifiers: ClinVar variation 589583 (VCV000589583.15), dbSNP rs757603372, ClinGen allele CA10024011.